The following is an entry in ClinVar:

NM_000135.4(FANCA):c.971T>G (p.Leu324Arg)

Gene: FANCA (FA complementation group A; minus strand). Cytogenetic location: 16q24.3.
Variant type: single nucleotide variant.
Coding change: c.971T>G on transcript NM_000135.4 (MANE Select); coding-DNA position 971, T replaced by G.
Protein change: p.Leu324Arg; replaces leucine 324 with arginine.
Molecular consequence: missense variant.
Genome position (GRCh38, 1-based): chr16:89,795,941, A>C on the plus strand (T>G on the coding strand, the complement: FANCA is on the minus strand). VCF-style: chr16-89795941-A-C. GRCh37 (hg19) VCF-style: chr16-89862349-A-C.
Other names: c.971T>G (LRG_495t1, NM_000135.3); c.971T>G, p.Leu324Arg (NM_001286167.3); short protein forms L324R.
Identifiers: ClinVar variation 456147 (VCV000456147.20), dbSNP rs1447363475, ClinGen allele CA397469937.

ClinVar aggregate classification (germline): Pathogenic/Likely pathogenic. Review status: criteria provided, multiple submitters, no conflicts (2 of 4 stars). 7 submissions from 7 submitters: Pathogenic (1); Likely pathogenic (4). 2 of the submissions do not count toward it. Last evaluated 2026-02-02.

Conditions:
Fanconi anemia (FA). Also called: Fanconi's anemia. Identifiers: Orphanet 84, MedGen C0015625, MeSH D005199, MONDO:0019391.
Fanconi anemia complementation group A (FANCA). Also called: Fanconi anemia, group A; FANCA-Related Fanconi Anemia. Identifiers: Orphanet 84, MedGen C3469521, MONDO:0009215, OMIM 227650.

Allele frequency attached by ClinVar (database versions not stated): TOPMed below 0.00001; gnomAD exomes 0.00001.
gnomAD v4.1: 10 of 1,614,148 alleles (0.00062%); highest among the groups gnomAD compares: Non-Finnish European, 0.00085%; no homozygotes.

Submissions (7):

Labcorp Genetics (formerly Invitae), Labcorp
Classification: Pathogenic for Fanconi anemia. Last evaluated: 2026-02-02. Review status: criteria provided, single submitter. Criteria: Invitae Variant Classification Sherloc (09022015). Collection method: clinical testing. Allele origin: germline.
Comment: This sequence change replaces leucine, which is neutral and non-polar, with arginine, which is basic and polar, at codon 324 of the FANCA protein (p.Leu324Arg). This variant is not present in population databases (gnomAD no frequency). This missense change has been observed in individual(s) with Fanconi anemia (PMID: 12697994; internal data). In at least one individual the data is consistent with being in trans (on the opposite chromosome) from a pathogenic variant. ClinVar contains an entry for this variant (Variation ID: 456147). Invitae Evidence Modeling of protein sequence and biophysical properties (such as structural, functional, and spatial information, amino acid conservation, physicochemical variation, residue mobility, and thermodynamic stability) indicates that this missense variant is expected to disrupt FANCA protein function with a positive predictive value of 95%. Experimental studies have shown that this missense change affects FANCA function (PMID: 12697994). For these reasons, this variant has been classified as Pathogenic.

Natera, Inc.
Classification: Likely pathogenic for Fanconi anemia. Last evaluated: 2025-02-12. Review status: criteria provided, single submitter. Criteria: Natera Variant Classification Schema (03/2026). Collection method: clinical testing. Allele origin: germline.
Comment: The c.971T>G variant in FANCA is a missense variant predicted to cause substitution of leucine to arginine at amino acid 324. This variant is rare in the general population with a frequency below the threshold expected for the associated phenotype(s). This variant has been observed in one or more individuals affected with the associated recessive disease, as either homozygous or compound heterozygous with a second variant (PMID: 12697994, 35417938). Functional studies show that this variant may disrupt protein function (PMID: 12697994). Computational prediction algorithms indicate this variant is likely to affect gene or protein function. Given the available evidence, this variant is classified as Likely Pathogenic.

Quest Diagnostics Nichols Institute San Juan Capistrano
Classification: Likely pathogenic. Last evaluated: 2024-03-29. Review status: criteria provided, single submitter. Criteria: Quest Diagnostics criteria. Collection method: clinical testing. Allele origin: unknown.
Comment: The FANCA c.971T>G (p.Leu324Arg) variant has been reported in the published literature occurring with a second pathogenic FANCA variant in an individual with Fanconi Anemia (PMID: 12697994 (2002)). Additionally, experimental studies suggest this variant is damaging to protein function (PMID: 12697994 (2002)). This variant has not been reported in large, multi-ethnic general populations (Genome Aggregation Database). Analysis of this variant using bioinformatics tools for the prediction of the effect of amino acid changes on protein structure and function yielded conflicting predictions that this variant is benign or damaging. Based on the available information, this variant is classified as likely pathogenic.

Fulgent Genetics
Classification: Likely pathogenic for Fanconi anemia complementation group A. Last evaluated: 2024-01-10. Review status: criteria provided, single submitter. Criteria: ACMG Guidelines, 2015. Collection method: clinical testing. Allele origin: germline.

Revvity Omics, Revvity
Classification: Likely pathogenic for Fanconi anemia complementation group A. Last evaluated: 2019-01-26. Review status: criteria provided, single submitter. Criteria: ACMG Guidelines, 2015. Collection method: clinical testing. Allele origin: germline.

Leiden Open Variation Database
Classification: Pathogenic for Fanconi anemia complementation group A. Last evaluated: 2020-02-28. Review status: no assertion criteria provided. Collection method: curation. Allele origin: germline. Affected: yes. Not counted in ClinVar's aggregate classification.
Comment: Curator: Arleen D. Auerbach. Submitter to LOVD: Arleen D. Auerbach.

Counsyl
Classification: Uncertain significance for Fanconi anemia complementation group A. Last evaluated: 2018-03-23. Review status: no assertion criteria provided. Collection method: clinical testing. Allele origin: unknown. Not counted in ClinVar's aggregate classification.

Literature cited by the submitters: PubMed 12697994 (cited by 4 submitters); PubMed 35417938 (cited by Natera, Inc.); PubMed 37349538 (cited by Quest Diagnostics Nichols Institute San Juan Capistrano); PubMed 15643609 (cited by Quest Diagnostics Nichols Institute San Juan Capistrano); PubMed 16445838 (cited by Quest Diagnostics Nichols Institute San Juan Capistrano).